The following is an entry in ClinVar:

NM_004380.3(CREBBP):c.761_767del (p.Ala254fs)

Gene: CREBBP (CREB binding lysine acetyltransferase; minus strand). Cytogenetic location: 16p13.3.
Variant type: Deletion.
Coding change: c.761_767del on transcript NM_004380.3 (MANE Select); coding-DNA positions 761 to 767, 7 bases deleted (CGGGACT; older notation c.761_767delCGGGACT).
Protein change: p.Ala254fs; shifts the reading frame from alanine 254.
Molecular consequence: frameshift variant.
Genome position (GRCh38, 1-based): chr16:3,850,328-3,850,334, AGTCCCG deleted on the plus strand (CGGGACT on the coding strand, the reverse complement: CREBBP is on the minus strand). VCF-style (leftmost placement, unchanged base first): chr16-3850327-CAGTCCCG-C. GRCh37 (hg19) VCF-style: chr16-3900328-CAGTCCCG-C.
Other names: c.761_767del, p.Ala254fs (NM_001079846.1); short protein forms A254fs.
Identifiers: ClinVar variation 2727485 (VCV002727485.3), dbSNP rs2548543877, ClinGen allele CA2697549658.

ClinVar aggregate classification (germline): Pathogenic (1 of 4 stars; one submission).

Conditions:
Rubinstein-Taybi syndrome (RSTS). Identifiers: Orphanet 783, MedGen C0035934, MONDO:0019188.

Submission:

Labcorp Genetics (formerly Invitae), Labcorp
Classification: Pathogenic for Rubinstein-Taybi syndrome. Last evaluated: 2023-06-28. Review status: criteria provided, single submitter. Criteria: Invitae Variant Classification Sherloc (09022015). Collection method: clinical testing. Allele origin: germline.
Comment: For these reasons, this variant has been classified as Pathogenic. This variant has not been reported in the literature in individuals affected with CREBBP-related conditions. This variant is not present in population databases (gnomAD no frequency). This sequence change creates a premature translational stop signal (p.Ala254Glyfs*14) in the CREBBP gene. It is expected to result in an absent or disrupted protein product. Loss-of-function variants in CREBBP are known to be pathogenic (PMID: 17052327, 18792986).

Literature cited by the submitters: PubMed 17052327; PubMed 18792986.